The following is an entry in ClinVar:

ClinVar aggregate classification (germline): Uncertain significance. Review status: criteria provided, multiple submitters, no conflicts (2 of 4 stars). 2 submissions from 2 submitters: Uncertain significance (2). Last evaluated 2026-04-21.

Conditions:
Hereditary pheochromocytoma and paraganglioma. Also called: Hereditary paragangliomas and pheochromocytomas; Hereditary pheochromocytoma-paraganglioma; Hereditary Paraganglioma-Pheochromocytoma Syndromes. Identifiers: Orphanet 29072, MedGen C4274332, MONDO:0017366.
Hereditary cancer-predisposing syndrome. Also called: Tumor predisposition; Hereditary neoplastic syndrome; Neoplastic Syndromes, Hereditary; Hereditary Cancer Syndrome. Identifiers: Orphanet 140162, MedGen C0027672, MeSH D009386, MONDO:0015356.

gnomAD v4.1: 3 of 1,520,940 alleles (0.0002%); highest among the groups gnomAD compares: Admixed American, 0.0061%; no homozygotes.

Submissions (2):

Ambry Genetics
Classification: Uncertain significance for Hereditary cancer-predisposing syndrome. Last evaluated: 2026-04-21. Review status: criteria provided, single submitter. Criteria: Ambry Variant Classification Scheme 2023. Collection method: clinical testing. Allele origin: germline.
Comment: The p.P18R variant (also known as c.53C>G), located in coding exon 1 of the TMEM127 gene, results from a C to G substitution at nucleotide position 53. The proline at codon 18 is replaced by arginine, an amino acid with dissimilar properties. This amino acid position is well conserved in available vertebrate species. In addition, this alteration is predicted to be tolerated by in silico analysis. Based on the available evidence, the clinical significance of this variant remains unclear.

Labcorp Genetics (formerly Invitae), Labcorp
Classification: Uncertain significance for Hereditary pheochromocytoma and paraganglioma. Last evaluated: 2026-02-03. Review status: criteria provided, single submitter. Criteria: Invitae Variant Classification Sherloc (09022015). Collection method: clinical testing. Allele origin: germline.
Comment: This sequence change replaces proline, which is neutral and non-polar, with arginine, which is basic and polar, at codon 18 of the TMEM127 protein (p.Pro18Arg). This variant is present in population databases (no rsID available, gnomAD 0.01%). This variant has not been reported in the literature in individuals affected with TMEM127-related conditions. ClinVar contains an entry for this variant (Variation ID: 2740856). Experimental studies and prediction algorithms are not available or were not evaluated, and the functional significance of this variant is currently unknown. In summary, the available evidence is currently insufficient to determine the role of this variant in disease. Therefore, it has been classified as a Variant of Uncertain Significance.

NM_017849.4(TMEM127):c.53C>G (p.Pro18Arg)

Genes: TMEM127 (transmembrane protein 127; minus strand), LOC129934333 (ATAC-STARR-seq lymphoblastoid silent region 11759; plus strand). Cytogenetic location: 2q11.2.
Variant type: single nucleotide variant.
Coding change: c.53C>G on transcript NM_017849.4 (MANE Select); coding-DNA position 53, C replaced by G.
Protein change: p.Pro18Arg; replaces proline 18 with arginine.
Molecular consequence: missense variant. On other transcripts: intron variant (1).
Genome position (GRCh38, 1-based): chr2:96,265,329, G>C on the plus strand (C>G on the coding strand, the complement: TMEM127 is on the minus strand). VCF-style: chr2-96265329-G-C. GRCh37 (hg19) VCF-style: chr2-96931067-G-C.
Other names: c.53C>G, p.Pro18Arg (NM_001193304.3); c.-9+540C>G (NM_001407283.1); short protein forms P18R.
Identifiers: ClinVar variation 2740856 (VCV002740856.4), dbSNP rs377740271, ClinGen allele CA347656212.